The following is an entry in ClinVar:

NM_004369.4(COL6A3):c.3488T>C (p.Ile1163Thr)

Gene: COL6A3 (collagen type VI alpha 3 chain; minus strand). Cytogenetic location: 2q37.3.
Variant type: single nucleotide variant.
Coding change: c.3488T>C on transcript NM_004369.4 (MANE Select); coding-DNA position 3488, T replaced by C.
Protein change: p.Ile1163Thr; replaces isoleucine 1163 with threonine.
Molecular consequence: missense variant.
Genome position (GRCh38, 1-based): chr2:237,374,603, A>G on the plus strand (T>C on the coding strand, the complement: COL6A3 is on the minus strand). VCF-style: chr2-237374603-A-G. GRCh37 (hg19) VCF-style: chr2-238283246-A-G.
Other names: c.2267T>C, p.Ile756Thr (NM_057164.5); c.2870T>C, p.Ile957Thr (NM_057165.5, NM_057167.4); c.1667T>C, p.Ile556Thr (NM_057166.5); short protein forms I1163T, I556T, I756T, I957T.
Identifiers: ClinVar variation 3391076 (VCV003391076.2).

ClinVar aggregate classification (germline): Conflicting classifications of pathogenicity. Review status: criteria provided, conflicting classifications (1 of 4 stars). 2 submissions from 2 submitters: Likely pathogenic (1); Uncertain significance (1). Last evaluated 2025-08-23.

Conditions:
Bethlem myopathy 1C (BTHLM1C). Identifiers: MedGen C5935581, MONDO:0958234, OMIM 620726.
Bethlem myopathy 1A. Also called: MYOPATHY, BENIGN CONGENITAL, WITH CONTRACTURES; Bethlem myopathy 1; Bethlem Muscular Dystrophy. Identifiers: Orphanet 610, MedGen CN029274, MONDO:0024530, OMIM 158810.

gnomAD v4.1: 4 of 1,614,062 alleles (0.00025%); highest among the groups gnomAD compares: African/African-American, 0.0013%; no homozygotes.

Submissions (2):

Labcorp Genetics (formerly Invitae), Labcorp
Classification: Uncertain significance for Bethlem myopathy 1A. Last evaluated: 2025-08-23. Review status: criteria provided, single submitter. Criteria: Invitae Variant Classification Sherloc (09022015). Collection method: clinical testing. Allele origin: germline.
Comment: This sequence change replaces isoleucine, which is neutral and non-polar, with threonine, which is neutral and polar, at codon 1163 of the COL6A3 protein (p.Ile1163Thr). This variant is present in population databases (no rsID available, gnomAD 0.0009%). This variant has not been reported in the literature in individuals affected with COL6A3-related conditions. ClinVar contains an entry for this variant (Variation ID: 3391076). Invitae Evidence Modeling of protein sequence and biophysical properties (such as structural, functional, and spatial information, amino acid conservation, physicochemical variation, residue mobility, and thermodynamic stability) indicates that this missense variant is not expected to disrupt COL6A3 protein function with a negative predictive value of 80%. In summary, the available evidence is currently insufficient to determine the role of this variant in disease. Therefore, it has been classified as a Variant of Uncertain Significance.

Genomic Medicine Center of Excellence, King Faisal Specialist Hospital and Research Centre
Classification: Likely pathogenic for Bethlem myopathy 1C. Last evaluated: 2024-12-18. Review status: criteria provided, single submitter. Criteria: ACMG Guidelines, 2015. Collection method: clinical testing. Allele origin: germline.